The following is an entry in ClinVar:

ClinVar aggregate classification (germline): Uncertain significance (1 of 4 stars; one submission).

Conditions:
Inborn genetic diseases. Identifiers: MedGen C0950123, MeSH D030342.

Submission:

Ambry Genetics
Classification: Uncertain significance for Inborn genetic diseases. Last evaluated: 2025-09-17. Review status: criteria provided, single submitter. Criteria: Ambry Variant Classification Scheme 2023. Collection method: clinical testing. Allele origin: germline.
Comment: The p.D197Y variant (also known as c.589G>T), located in coding exon 2 of the FANCM gene, results from a G to T substitution at nucleotide position 589. The aspartic acid at codon 197 is replaced by tyrosine, an amino acid with highly dissimilar properties. This amino acid position is conserved. In addition, the in silico prediction for this alteration is inconclusive. Based on the available evidence, the clinical significance of this variant remains unclear.

NM_020937.4(FANCM):c.589G>T (p.Asp197Tyr)

Gene: FANCM (FA complementation group M; plus strand). Cytogenetic location: 14q21.2.
Variant type: single nucleotide variant.
Coding change: c.589G>T on transcript NM_020937.4 (MANE Select); coding-DNA position 589, G replaced by T.
Protein change: p.Asp197Tyr; replaces aspartic acid 197 with tyrosine.
Molecular consequence: missense variant.
Genome position (GRCh38, 1-based): chr14:45,137,149, G>T. VCF-style: chr14-45137149-G-T. GRCh37 (hg19) VCF-style: chr14-45606352-G-T.
Other names: c.589G>T, p.Asp197Tyr (NM_001308133.2, NM_001308134.2); short protein forms D197Y.
Identifiers: ClinVar variation 4619430 (VCV004619430.1).